The following is an entry in ClinVar:

ClinVar aggregate classification (germline): Likely benign (0 of 4 stars; one submission).

Conditions:
PEAK1-related disorder. Also called: PEAK1-related condition.

Allele frequency attached by ClinVar (database versions not stated): 1000 Genomes Project 30x 0.00016; 1000 Genomes Project 0.00020; ESP Exome Variant Server 0.00099; TOPMed 0.00102; ExAC 0.00108; gnomAD 0.00126; gnomAD exomes 0.00133.
gnomAD v4.1: 2,105 of 1,614,186 alleles (0.13%); highest among the groups gnomAD compares: Non-Finnish European, 0.17%; 1 homozygote.

Submission:

PreventionGenetics, part of Exact Sciences
Classification: Likely benign for PEAK1-related condition. Last evaluated: 2019-05-15. Review status: no assertion criteria provided. Collection method: clinical testing. Allele origin: germline.
Comment: This variant is classified as likely benign based on ACMG/AMP sequence variant interpretation guidelines (Richards et al. 2015 PMID: 25741868, with internal and published modifications).

NM_001385026.1(PEAK1):c.5049C>T (p.Ser1683=)

Gene: PEAK1 (pseudopodium enriched atypical kinase 1; minus strand). Cytogenetic location: 15q24.3.
Variant type: single nucleotide variant.
Coding change: c.5049C>T on transcript NM_001385026.1 (MANE Select); coding-DNA position 5049, C replaced by T.
Protein change: p.Ser1683=; no amino-acid change (serine 1683 retained).
Molecular consequence: synonymous variant.
Genome position (GRCh38, 1-based): chr15:77,114,348, G>A on the plus strand (C>T on the coding strand, the complement: PEAK1 is on the minus strand). VCF-style: chr15-77114348-G-A. GRCh37 (hg19) VCF-style: chr15-77406690-G-A.
Other names: c.5049C>T, p.Ser1683= (NM_001387085.1, NM_001387086.1, NM_024776.5).
Identifiers: ClinVar variation 3041452 (VCV003041452.2), dbSNP rs187996767, ClinGen allele CA7676489.